The following is an entry in ClinVar:

ClinVar aggregate classification (germline): Uncertain significance (1 of 4 stars; one submission).

Conditions:
Medulloblastoma (MDB). Also called: MEDULLOBLASTOMA PREDISPOSITION SYNDROME; Medulloblastoma, somatic. Identifiers: Orphanet 616, MedGen C0025149, MeSH D008527, MONDO:0007959, OMIM 155255, HP:0002885.
Exudative vitreoretinopathy 7. Identifiers: MedGen C4539767, MONDO:0033123, OMIM 617572.
Hepatocellular carcinoma (HCC). Also called: Primary carcinoma of liver; HEPATOMA; LIVER CELL CARCINOMA. Identifiers: Orphanet 88673, MedGen C2239176, MONDO:0007256, OMIM 114550, HP:0001402.
Pilomatrixoma (PTR). Also called: Pilomatricoma, somatic; PILOMATRICOMA; EPITHELIOMA CALCIFICANS OF MALHERBE. Identifiers: Orphanet 91414, MedGen C0206711, MeSH D018296, MONDO:0007564, OMIM 132600, HP:0030434.
Severe intellectual disability-progressive spastic diplegia syndrome (NEDSDV). Also called: CTNNB1 Neurodevelopmental Disorder; NEURODEVELOPMENTAL DISORDER WITH SPASTIC DIPLEGIA AND VISUAL DEFECTS. Identifiers: Orphanet 404473, MedGen C3554449, MONDO:0014035, OMIM 615075.
Ovarian cancer. Also called: OVARIAN CANCER, SOMATIC. Identifiers: Orphanet 213500, MedGen C1140680, MONDO:0008170, OMIM 167000.
Colorectal cancer. Also called: Colorectal cancer, somatic; Malignant Colorectal Neoplasm. Identifiers: MedGen C0346629, MONDO:0005575, OMIM 114500.

Submission:

Juno Genomics, Hangzhou Juno Genomics, Inc
Classification: Uncertain significance for Colorectal cancer; Exudative vitreoretinopathy 7; Hepatocellular carcinoma; Medulloblastoma; Severe intellectual disability-progressive spastic diplegia syndrome; Ovarian cancer; Pilomatrixoma. Review status: criteria provided, single submitter. Criteria: ACMG Guidelines, 2015. Collection method: clinical testing. Allele origin: germline.
Comment: Absent from controls (or at extremely low frequency if recessive) in Genome Aggregation Database.;De novo (both maternity and paternity confirmed) in a patient with the disease and no family history.;Missense variant in a gene that has a low rate of benign missense variation.;Multiple lines of computational evidence support a deleterious effect on the gene or gene product.

NM_001904.4(CTNNB1):c.896A>G (p.Asp299Gly)

Gene: CTNNB1 (catenin beta 1; plus strand). Cytogenetic location: 3p22.1.
Variant type: single nucleotide variant.
Coding change: c.896A>G on transcript NM_001904.4 (MANE Select); coding-DNA position 896, A replaced by G.
Protein change: p.Asp299Gly; replaces aspartic acid 299 with glycine.
Molecular consequence: missense variant.
Genome position (GRCh38, 1-based): chr3:41,225,821, A>G. VCF-style: chr3-41225821-A-G. GRCh37 (hg19) VCF-style: chr3-41267312-A-G.
Other names: c.896A>G, p.Asp299Gly (NM_001098209.2, NM_001098210.2, NM_001438871.1 and 4 more transcripts); c.875A>G, p.Asp292Gly (NM_001330729.2); short protein forms D292G, D299G.
Identifiers: ClinVar variation 5006615 (VCV005006615.2).